The following is an entry in ClinVar:

NM_025144.4(ALPK1):c.3189-1G>A

Gene: ALPK1 (alpha kinase 1; plus strand). Cytogenetic location: 4q25.
Variant type: single nucleotide variant.
Coding change: c.3189-1G>A on transcript NM_025144.4 (MANE Select); the canonical splice acceptor site of the intron before coding-DNA position 3189, G replaced by A.
Molecular consequence: splice acceptor variant.
Genome position (GRCh38, 1-based): chr4:112,438,483, G>A. VCF-style: chr4-112438483-G-A. GRCh37 (hg19) VCF-style: chr4-113359639-G-A.
Other names: c.3189-1G>A (NM_001102406.2); c.2955-1G>A (NM_001253884.2).
Identifiers: ClinVar variation 2868370 (VCV002868370.3), dbSNP rs1426014885, ClinGen allele CA357906453.
Genomic context (GRCh38, chr4:112,438,483, plus strand): 5'-TTACTCCATAGTAAGTAAGACCACTTTTGCATTTTGTTGTGTGGATTTTCTTTGTTCATA[G>A]GTATGTTGGGAAAGACTATAAGGAGCAGAAGGGGCTCTGGCACCACTTCACTGATGTGGA-3'

ClinVar aggregate classification (germline): Uncertain significance (1 of 4 stars; one submission).

Allele frequency attached by ClinVar (database versions not stated): gnomAD exomes below 0.00001; TOPMed 0.00001.
gnomAD v4.1: 6 of 1,612,676 alleles (0.00037%); highest among the groups gnomAD compares: Non-Finnish European, 0.00034%; no homozygotes.

Submission:

Labcorp Genetics (formerly Invitae), Labcorp
Classification: Uncertain significance. Last evaluated: 2024-01-29. Review status: criteria provided, single submitter. Criteria: Invitae Variant Classification Sherloc (09022015). Collection method: clinical testing. Allele origin: germline.
Comment: This sequence change affects an acceptor splice site in intron 12 of the ALPK1 gene. It is expected to disrupt RNA splicing. Variants that disrupt the donor or acceptor splice site typically lead to a loss of protein function (PMID: 16199547), however the current clinical and genetic evidence is not sufficient to establish whether loss-of-function variants in ALPK1 cause disease. This variant is present in population databases (no rsID available, gnomAD 0.002%). This variant has not been reported in the literature in individuals affected with ALPK1-related conditions. Algorithms developed to predict the effect of sequence changes on RNA splicing suggest that this variant may disrupt the consensus splice site. In summary, the available evidence is currently insufficient to determine the role of this variant in disease. Therefore, it has been classified as a Variant of Uncertain Significance.

Literature cited by the submitters: PubMed 16199547.